The following is an entry in ClinVar:

ClinVar aggregate classification (germline): Uncertain significance. Review status: criteria provided, multiple submitters, no conflicts (2 of 4 stars). 5 submissions from 4 submitters: Uncertain significance (5). Last evaluated 2025-06-30.

Conditions:
Seckel syndrome 1 (SCKL1). Also called: MICROCEPHALIC PRIMORDIAL DWARFISM I. Identifiers: Orphanet 808, MedGen C4551474, MONDO:0008869, OMIM 210600.
Familial cutaneous telangiectasia and oropharyngeal predisposition cancer syndrome. Identifiers: Orphanet 313846, MedGen C3281203, MONDO:0013806, OMIM 614564.
Inborn genetic diseases. Identifiers: MedGen C0950123, MeSH D030342.

Allele frequency attached by ClinVar (database versions not stated): gnomAD 0.00001; ExAC 0.00002; gnomAD exomes 0.00002; TOPMed 0.00003; ESP Exome Variant Server 0.00008.
gnomAD v4.1: 17 of 1,613,898 alleles (0.0011%); highest among the groups gnomAD compares: South Asian, 0.0044%; no homozygotes.

Submissions (5):

Labcorp Genetics (formerly Invitae), Labcorp
Classification: Uncertain significance. Last evaluated: 2025-06-30. Review status: criteria provided, single submitter. Criteria: Invitae Variant Classification Sherloc (09022015). Collection method: clinical testing. Allele origin: germline.
Comment: This sequence change replaces arginine, which is basic and polar, with tryptophan, which is neutral and slightly polar, at codon 2066 of the ATR protein (p.Arg2066Trp). This variant is present in population databases (rs369309229, gnomAD 0.01%). This variant has not been reported in the literature in individuals affected with ATR-related conditions. ClinVar contains an entry for this variant (Variation ID: 1026211). An algorithm developed to predict the effect of missense changes on protein structure and function outputs the following: PolyPhen-2: "Probably Damaging". The tryptophan amino acid residue is found in multiple mammalian species, which suggests that this missense change does not adversely affect protein function. In summary, the available evidence is currently insufficient to determine the role of this variant in disease. Therefore, it has been classified as a Variant of Uncertain Significance.

Genome-Nilou Lab
Classification: Uncertain significance for Seckel syndrome 1. Last evaluated: 2023-02-08. Review status: criteria provided, single submitter. Criteria: ACMG Guidelines, 2015. Collection method: clinical testing. Allele origin: germline.

Genome-Nilou Lab
Classification: Uncertain significance for Familial cutaneous telangiectasia and oropharyngeal predisposition cancer syndrome. Last evaluated: 2023-02-08. Review status: criteria provided, single submitter. Criteria: ACMG Guidelines, 2015. Collection method: clinical testing. Allele origin: germline.

Ambry Genetics
Classification: Uncertain significance for Inborn genetic diseases. Last evaluated: 2022-10-22. Review status: criteria provided, single submitter. Criteria: Ambry Variant Classification Scheme 2023. Collection method: clinical testing. Allele origin: germline.
Comment: The p.R2066W variant (also known as c.6196C>T), located in coding exon 36 of the ATR gene, results from a C to T substitution at nucleotide position 6196. The arginine at codon 2066 is replaced by tryptophan, an amino acid with dissimilar properties. This amino acid position is conserved. In addition, this alteration is predicted to be tolerated by in silico analysis. Since supporting evidence is limited at this time, the clinical significance of this alteration remains unclear.

Blueprint Genetics
Classification: Uncertain significance. Last evaluated: 2019-12-04. Review status: criteria provided, single submitter. Criteria: ACMG Guidelines, 2015. Collection method: clinical testing. Allele origin: germline.

NM_001184.4(ATR):c.6196C>T (p.Arg2066Trp)

Genes: ATR (ATR checkpoint kinase; minus strand), LOC126806830 (BRD4-independent group 4 enhancer GRCh37_chr3:142203676-142204875; plus strand). Cytogenetic location: 3q23.
Variant type: single nucleotide variant.
Coding change: c.6196C>T on transcript NM_001184.4 (MANE Select); coding-DNA position 6196, C replaced by T.
Protein change: p.Arg2066Trp; replaces arginine 2066 with tryptophan.
Molecular consequence: missense variant.
Genome position (GRCh38, 1-based): chr3:142,485,165, G>A on the plus strand (C>T on the coding strand, the complement: ATR is on the minus strand). VCF-style: chr3-142485165-G-A. GRCh37 (hg19) VCF-style: chr3-142204007-G-A.
Other names: c.6004C>T, p.Arg2002Trp (NM_001354579.2); short protein forms R2002W, R2066W.
Identifiers: ClinVar variation 1026211 (VCV001026211.10), dbSNP rs369309229, ClinGen allele CA2649398.